The following is an entry in ClinVar:

NM_001079802.2(FKTN):c.*4388del

Gene: FKTN (fukutin; plus strand). Cytogenetic location: 9q31.2.
Variant type: Deletion.
Coding change: c.*4388del on transcript NM_001079802.2 (MANE Select); 4388 bases downstream of the stop codon, one base deleted (A; older notation c.*4388delA).
Molecular consequence: 3 prime UTR variant. On other transcripts: non-coding transcript variant (2), intron variant (1).
Genome position (GRCh38, 1-based): chr9:105,639,652, A deleted; the last of 10 consecutive A bases (chr9:105,639,643-105,639,652); deleting any one gives the same sequence. VCF-style (leftmost placement, unchanged base first): chr9-105639642-GA-G. GRCh37 (hg19) VCF-style: chr9-108401923-GA-G.
Other names: c.*4388del (NM_001079802.1, NM_001351496.2, NM_001351497.2 and 5 more transcripts); c.*4566del (NM_001351498.2); c.1271-449del (NM_001198963.2); c.*4388delA (NM_006731.2).
Identifiers: ClinVar variation 283468 (VCV000283468.13), dbSNP rs148253503, ClinGen allele CA10604503.
Genomic context (GRCh38, chr9:105,639,642, plus strand): 5'-GAAACCATGGGTCAGAACATATTCCTTTACTCAAAAGATTGCATGACTGAATTTGCTTAA[GA>G]AAAAAAAAATTGTATCAAGTCATTAATACAATTATACATTAATTATATTACATTAATACA-3'

ClinVar aggregate classification (germline): Benign/Likely benign. Review status: criteria provided, multiple submitters, no conflicts (2 of 4 stars). 5 submissions from 5 submitters: Benign (4); Likely benign (1). Last evaluated 2026-02-04.

Conditions:
Walker-Warburg congenital muscular dystrophy. Also called: Muscular dystrophy-dystroglycanopathy, type A; Walker-Warburg syndrome. Identifiers: Orphanet 899, MedGen C0265221, MONDO:0000171.

Submissions (5):

Labcorp Genetics (formerly Invitae), Labcorp
Classification: Benign for Walker-Warburg congenital muscular dystrophy. Last evaluated: 2026-02-04. Review status: criteria provided, single submitter. Criteria: Invitae Variant Classification Sherloc (09022015). Collection method: clinical testing. Allele origin: germline.

Mayo Clinic Laboratories, Mayo Clinic
Classification: Benign. Last evaluated: 2022-03-23. Review status: criteria provided, single submitter. Criteria: ACMG Guidelines, 2015. Collection method: clinical testing. Allele origin: germline. Observed: 69 variant alleles.

Women's Health and Genetics/Laboratory Corporation of America, LabCorp
Classification: Benign. Last evaluated: 2021-01-19. Review status: criteria provided, single submitter. Criteria: LabCorp Variant Classification Summary - May 2015. Collection method: clinical testing. Allele origin: germline.
Comment: Variant summary: FKTN c.*4388delA is located in the untranslated mRNA region downstream of the termination codon. The variant allele was found at a frequency of 0.075 in 27358 control chromosomes in the gnomAD database, including 165 homozygotes. The observed variant frequency is approximately 164 fold of the estimated maximal expected allele frequency for a pathogenic variant in FKTN causing Walker-Warburg Syndrome phenotype (0.00046), strongly suggesting that the variant is benign. To our knowledge, no occurrence of c.*4388delA in individuals affected with Walker-Warburg Syndrome and no experimental evidence demonstrating its impact on protein function have been reported. One ClinVar submitter (evaluation after 2014) cite the variant as likely benign. Based on the evidence outlined above, the variant was classified as benign.

GeneDx
Classification: Benign. Last evaluated: 2018-07-26. Review status: criteria provided, single submitter. Criteria: GeneDx Variant Classification Process June 2021. Collection method: clinical testing. Allele origin: germline. Affected: yes.

Eurofins Ntd Llc (ga)
Classification: Likely benign. Last evaluated: 2015-09-23. Review status: criteria provided, single submitter. Criteria: EGL Classification Definitions 2015. Collection method: clinical testing. Allele origin: germline. Observed: 51 variant alleles, 9 heterozygotes.